The following is an entry in ClinVar:

ClinVar aggregate classification (germline): Uncertain significance (1 of 4 stars; one submission).

Conditions:
Inborn genetic diseases. Identifiers: MedGen C0950123, MeSH D030342.

gnomAD v4.1: 1 of 1,613,932 alleles (0.000062%); highest among the groups gnomAD compares: Admixed American, 0.0017%; no homozygotes.

Submission:

Ambry Genetics
Classification: Uncertain significance for Inborn genetic diseases. Last evaluated: 2025-05-02. Review status: criteria provided, single submitter. Criteria: Ambry Variant Classification Scheme 2023. Collection method: clinical testing. Allele origin: germline.
Comment: The p.E212A variant (also known as c.635A>C), located in coding exon 5 of the MECOM gene, results from an A to C substitution at nucleotide position 635. The glutamic acid at codon 212 is replaced by alanine, an amino acid with dissimilar properties. This amino acid position is conserved. In addition, the in silico prediction for this alteration is inconclusive. Based on the available evidence, the clinical significance of this variant remains unclear.

NM_004991.4(MECOM):c.635A>C (p.Glu212Ala)

Gene: MECOM (MDS1 and EVI1 complex locus; minus strand). Cytogenetic location: 3q26.2.
Variant type: single nucleotide variant.
Coding change: c.635A>C on transcript NM_004991.4 (MANE Select); coding-DNA position 635, A replaced by C.
Protein change: p.Glu212Ala; replaces glutamic acid 212 with alanine.
Molecular consequence: missense variant.
Genome position (GRCh38, 1-based): chr3:169,128,039, T>G on the plus strand (A>C on the coding strand, the complement: MECOM is on the minus strand). VCF-style: chr3-169128039-T-G. GRCh37 (hg19) VCF-style: chr3-168845827-T-G.
Other names: c.263A>C, p.Glu88Ala (NM_001105077.4); c.71A>C, p.Glu24Ala (NM_001105078.4, NM_001163999.2, NM_001164000.2 and 9 more transcripts); c.635A>C, p.Glu212Ala (NM_001366466.2, NM_001366473.2); short protein forms E88A, E212A, E24A.
Identifiers: ClinVar variation 4053227 (VCV004053227.1).
Genomic context (GRCh38, chr3:169,128,039, plus strand): 5'-CATGGAAACTTTTGGTGATCTGCTAGTTCAGCCTTAGATTCAAAGAGCTGGTCACAGTCT[T>G]CGCAGCGATATTGCCGTTCTTCTGTGAAAACAATTCAGGTGTTAGGATTGGGTGGTCAGG-3'
Protein context (NP_004982.2, residues 202-222): DIHEERQYRC[Glu212Ala]DCDQLFESKA